The following is an entry in ClinVar:

ClinVar aggregate classification (germline): Pathogenic (1 of 4 stars; one submission).

Conditions:
Hirschsprung disease, susceptibility to, 1 (HSCR1). Also called: RET-Related Hirschsprung Disease. Identifiers: Orphanet 388, MedGen C3888239, MONDO:0007723, OMIM 142623.

Submission:

Victorian Clinical Genetics Services, Murdoch Childrens Research Institute
Classification: Pathogenic for Hirschsprung disease, susceptibility to, 1. Last evaluated: 2025-08-27. Review status: criteria provided, single submitter. Criteria: ACMG Guidelines, 2015. Collection method: clinical testing. Allele origin: germline. Affected: yes.
Comment: This variant is classified as Pathogenic. Evidence in support of pathogenic classification: Variant is predicted to cause nonsense-mediated decay (NMD) and loss of protein (premature termination codon is located at least 54 nucleotides upstream of the final exon-exon junction); Variant is absent from gnomAD (v2, v3 and v4); This variant has moderate previous evidence of pathogenicity in unrelated individuals. This variant has been reported as disease causing in heterozygous individuals with Hirschsprung disease, some with de novo inheritance (PMIDs: 25839327, 29093530); Other NMD-predicted variants comparable to the one identified in this case have very strong previous evidence for pathogenicity and have been reported in individuals with Hirschsprung disease (DECIPHER, PMID: 25839327). Additional information: This variant is heterozygous; This gene is associated with autosomal dominant disease; Loss of function and gain of function are known mechanisms of disease in this gene. Loss of function variants are associated with Hirschsprung disease (MIM#142623), while gain of function variants cause multiple endocrine neoplasia IIA (MEN2A, MIM#171400), multiple endocrine neoplasia IIB (MEN2B, MIM#162300), and medullary thyroid carcinoma (MTC, MIM#155240). A subset of RET cysteine variants, sometimes referred to as Janus variants, can lead to a partial loss-of-function phenotype, as well as to oncogenic effects (PMID: 22584710, OMIM); The condition associated with this gene has incomplete penetrance (OMIM); Inheritance information for this variant is not currently available in this individual.

Literature cited by the submitters: PubMed 29093530; PubMed 25839327; PubMed 22584710.

NM_020975.6(RET):c.754G>T (p.Glu252Ter)

Gene: RET (ret proto-oncogene; plus strand). Cytogenetic location: 10q11.21.
Variant type: single nucleotide variant.
Coding change: c.754G>T on transcript NM_020975.6 (MANE Select); coding-DNA position 754, G replaced by T.
Protein change: p.Glu252Ter; replaces glutamic acid 252 with a stop codon.
Molecular consequence: nonsense. On other transcripts: 5 prime UTR variant (1), intron variant (22).
Genome position (GRCh38, 1-based): chr10:43,105,080, G>T. VCF-style: chr10-43105080-G-T. GRCh37 (hg19) VCF-style: chr10-43600528-G-T.
Other names: c.-9G>T (NM_001355216.2); c.754G>T, p.Glu252Ter (NM_001406743.1, NM_001406744.1, NM_001406759.1 and 6 more transcripts); c.625G>T, p.Glu209Ter (NM_001406761.1, NM_001406762.1, NM_001406764.1 and 2 more transcripts); c.466G>T, p.Glu156Ter (NM_001406766.1, NM_001406767.1, NM_001406770.1); c.625+2451G>T (NM_001406773.1, NM_001406771.1, NM_001406782.1 and 5 more transcripts); c.496+2451G>T (NM_001406786.1, NM_001406783.1); c.338-3951G>T (NM_001406778.1, NM_001406775.1, NM_001406776.1 and 1 more transcripts); c.337+4358G>T (NM_001406790.1, NM_001406788.1, NM_001406789.1 and 1 more transcripts); and 2 more; short protein forms E156*, E209*, E252*.
Identifiers: ClinVar variation 4531443 (VCV004531443.1).